The following is an entry in ClinVar:

ClinVar aggregate classification (germline): Pathogenic (1 of 4 stars; one submission).

Conditions:
Retinoblastoma (RB1). Also called: RETINOBLASTOMA, SOMATIC. Identifiers: Orphanet 790, MedGen C0035335, MeSH D012175, MONDO:0008380, OMIM 180200, HP:0009919. Disease mechanism: loss of function. Inheritance: Both sporadic and heritable forms are tested..

Submission:

Labcorp Genetics (formerly Invitae), Labcorp
Classification: Pathogenic for Retinoblastoma. Last evaluated: 2021-07-24. Review status: criteria provided, single submitter. Criteria: Invitae Variant Classification Sherloc (09022015). Collection method: clinical testing. Allele origin: germline.
Comment: This sequence change creates a premature translational stop signal (p.Tyr454Thrfs*3) in the RB1 gene. It is expected to result in an absent or disrupted protein product. Loss-of-function variants in RB1 are known to be pathogenic (PMID: 17096365). This variant is not present in population databases (ExAC no frequency). This variant has not been reported in the literature in individuals affected with RB1-related conditions. For these reasons, this variant has been classified as Pathogenic.

Literature cited by the submitters: PubMed 17096365.

NM_000321.3(RB1):c.1360del (p.Tyr454fs)

Gene: RB1 (RB transcriptional corepressor 1; plus strand). Cytogenetic location: 13q14.2.
Variant type: Deletion.
Coding change: c.1360del on transcript NM_000321.3 (MANE Select); coding-DNA position 1360, one base deleted (T; older notation c.1360delT).
Protein change: p.Tyr454fs; shifts the reading frame from tyrosine 454.
Molecular consequence: frameshift variant.
Genome position (GRCh38, 1-based): chr13:48,379,621, T deleted; the last of 2 consecutive T bases (chr13:48,379,620-48,379,621); deleting either gives the same sequence. VCF-style (leftmost placement, unchanged base first): chr13-48379619-AT-A. GRCh37 (hg19) VCF-style: chr13-48953755-AT-A.
Other names: short protein forms Y454fs.
Identifiers: ClinVar variation 1411964 (VCV001411964.6), dbSNP rs2138140923, ClinGen allele CA2573149603.